The following is an entry in ClinVar:

ClinVar aggregate classification (germline): Pathogenic (1 of 4 stars; one submission).

Conditions:
Hereditary cancer-predisposing syndrome. Also called: Hereditary Cancer Syndrome; Tumor predisposition; Hereditary neoplastic syndrome; Neoplastic Syndromes, Hereditary. Identifiers: Orphanet 140162, MedGen C0027672, MeSH D009386, MONDO:0015356.

Submission:

Ambry Genetics
Classification: Pathogenic for Hereditary cancer-predisposing syndrome. Last evaluated: 2024-06-07. Review status: criteria provided, single submitter. Criteria: Ambry Variant Classification Scheme 2023. Collection method: clinical testing. Allele origin: germline.
Comment: The c.429delG pathogenic mutation, located in coding exon 1 of the CDKN1B gene, results from a deletion of one nucleotide at nucleotide position 429, causing a translational frameshift with a predicted alternate stop codon (p.L144*). This variant has been observed in at least one individual with a personal and/or family history that is consistent with CDKN1B-related multiple endocrine neoplasia (Ambry internal data). This variant is considered to be rare based on population cohorts in the Genome Aggregation Database (gnomAD). In addition to the clinical data presented in the literature, this alteration is expected to result in loss of function by premature protein truncation or nonsense-mediated mRNA decay. As such, this alteration is interpreted as a disease-causing mutation.

NM_004064.5(CDKN1B):c.429del (p.Gly143_Leu144insTer)

Gene: CDKN1B (cyclin dependent kinase inhibitor 1B; plus strand). Cytogenetic location: 12p13.1.
Variant type: Deletion.
Coding change: c.429del on transcript NM_004064.5 (MANE Select); coding-DNA position 429, one base deleted (G; older notation c.429delG).
Protein change: p.Gly143_Leu144insTer.
Molecular consequence: frameshift variant.
Genome position (GRCh38, 1-based): chr12:12,718,268, G deleted; the last of 4 consecutive G bases (chr12:12,718,265-12,718,268); deleting any one gives the same sequence. VCF-style (leftmost placement, unchanged base first): chr12-12718264-CG-C. GRCh37 (hg19) VCF-style: chr12-12871198-CG-C.
Identifiers: ClinVar variation 3265562 (VCV003265562.1).